The following is an entry in ClinVar:

NM_004560.4(ROR2):c.2381C>T (p.Pro794Leu)

Gene: ROR2 (ROR family WNT receptor 2; minus strand). Cytogenetic location: 9q22.31.
Variant type: single nucleotide variant.
Coding change: c.2381C>T on transcript NM_004560.4 (MANE Select); coding-DNA position 2381, C replaced by T.
Protein change: p.Pro794Leu; replaces proline 794 with leucine.
Molecular consequence: missense variant.
Genome position (GRCh38, 1-based): chr9:91,724,113, G>A on the plus strand (C>T on the coding strand, the complement: ROR2 is on the minus strand). VCF-style: chr9-91724113-G-A. GRCh37 (hg19) VCF-style: chr9-94486395-G-A.
Other names: short protein forms P794L.
Identifiers: ClinVar variation 3155731 (VCV003155731.8), dbSNP rs374141378, ClinGen allele CA5120410.
Genomic context (GRCh38, chr9:91,724,113, plus strand): 5'-GGGGGCACCATGGGTCTGATCTGGCCCTTCATGGGGATGAACTGGGGCTGTGGGAAGGGC[G>A]GGGCCTTCTGCTTGGGCCCCACGTAGCGGGCGTTGCTCACATTGCTCACTGGGCTGGTGC-3'
Protein context (NP_004551.2, residues 784-804): ARYVGPKQKA[Pro794Leu]PFPQPQFIPM

ClinVar aggregate classification (germline): Conflicting classifications of pathogenicity. Review status: criteria provided, conflicting classifications (1 of 4 stars). 5 submissions from 5 submitters: Uncertain significance (4); Likely benign (1). Last evaluated 2026-03-01.

Conditions:
Autosomal recessive Robinow syndrome (RRS1). Also called: COSTOVERTEBRAL SEGMENTATION DEFECT WITH MESOMELIA; COVESDEM SYNDROME; ROR2-Related Robinow Syndrome; ROBINOW SYNDROME, AUTOSOMAL RECESSIVE 1. Identifiers: Orphanet 1507, Orphanet 97360, MedGen C5399974, MONDO:0009999, OMIM 268310.
Brachydactyly type B1 (BDB1). Identifiers: Orphanet 572385, Orphanet 93383, MedGen C1862112, MONDO:0007220, OMIM 113000.
Inborn genetic diseases. Identifiers: MedGen C0950123, MeSH D030342.

Allele frequency attached by ClinVar (database versions not stated): ExAC 0.00003; ESP Exome Variant Server 0.00008; gnomAD 0.00013; TOPMed 0.00016.
gnomAD v4.1: 49 of 1,610,668 alleles (0.003%); highest among the groups gnomAD compares: African/African-American, 0.035%; no homozygotes.

Submissions (5):

CeGaT Center for Human Genetics Tuebingen
Classification: Likely benign. Last evaluated: 2026-03-01. Review status: criteria provided, single submitter. Criteria: CeGaT Center For Human Genetics Tuebingen Variant Classification Criteria Version 2. Collection method: clinical testing. Allele origin: germline. Affected: yes. Observed: 1 variant allele.
Comment: ROR2: BP4

Labcorp Genetics (formerly Invitae), Labcorp
Classification: Uncertain significance. Last evaluated: 2025-12-16. Review status: criteria provided, single submitter. Criteria: Invitae Variant Classification Sherloc (09022015). Collection method: clinical testing. Allele origin: germline.
Comment: This sequence change replaces proline, which is neutral and non-polar, with leucine, which is neutral and non-polar, at codon 794 of the ROR2 protein (p.Pro794Leu). This variant is present in population databases (rs374141378, gnomAD 0.02%). This variant has not been reported in the literature in individuals affected with ROR2-related conditions. ClinVar contains an entry for this variant (Variation ID: 3155731). Invitae Evidence Modeling of protein sequence and biophysical properties (such as structural, functional, and spatial information, amino acid conservation, physicochemical variation, residue mobility, and thermodynamic stability) indicates that this missense variant is not expected to disrupt ROR2 protein function with a negative predictive value of 95%. In summary, the available evidence is currently insufficient to determine the role of this variant in disease. Therefore, it has been classified as a Variant of Uncertain Significance.

Fulgent Genetics
Classification: Uncertain significance for Brachydactyly type B1; Autosomal recessive Robinow syndrome. Last evaluated: 2024-05-11. Review status: criteria provided, single submitter. Criteria: ACMG Guidelines, 2015. Collection method: clinical testing. Allele origin: germline.

Ambry Genetics
Classification: Uncertain significance for Inborn genetic diseases. Last evaluated: 2024-01-16. Review status: criteria provided, single submitter. Criteria: Ambry Variant Classification Scheme 2023. Collection method: clinical testing. Allele origin: germline.

Department of Pathology and Laboratory Medicine, Sinai Health System
Classification: Uncertain significance for Brachydactyly type B1; Autosomal recessive Robinow syndrome. Last evaluated: 2021-11-23. Review status: criteria provided, single submitter. Criteria: ACMG Guidelines, 2015. Collection method: research. Allele origin: germline.